The following is an entry in ClinVar:

NM_138694.4(PKHD1):c.5707G>A (p.Val1903Ile)

Gene: PKHD1 (PKHD1 ciliary IPT domain containing fibrocystin/polyductin; minus strand). Cytogenetic location: 6p12.2.
Variant type: single nucleotide variant.
Coding change: c.5707G>A on transcript NM_138694.4 (MANE Select); coding-DNA position 5707, G replaced by A.
Protein change: p.Val1903Ile; replaces valine 1903 with isoleucine.
Molecular consequence: missense variant.
Genome position (GRCh38, 1-based): chr6:52,010,353, C>T on the plus strand (G>A on the coding strand, the complement: PKHD1 is on the minus strand). VCF-style: chr6-52010353-C-T. GRCh37 (hg19) VCF-style: chr6-51875151-C-T.
Other names: c.5707G>A (NM_138694.3); c.5707G>A, p.Val1903Ile (NM_170724.3); short protein forms V1903I.
Identifiers: ClinVar variation 3593883 (VCV003593883.2).
Genomic context (GRCh38, chr6:52,010,353, plus strand): 5'-AAAGATTTGATTATACCTGAGTGTTCTGGCCCCAGCGTTTCCGTATCTCAGTAATCTTGA[C>T]GGTAATTGGCTGATTGGGCGTCTCACACTCCATCTCTGCCTCAGTTTCCATGGTAATGTT-3'
Protein context (NP_619639.3, residues 1893-1913): ECETPNQPIT[Val1903Ile]KITEIRKRWG

ClinVar aggregate classification (germline): Uncertain significance. Review status: criteria provided, multiple submitters, no conflicts (2 of 4 stars). 2 submissions from 2 submitters: Uncertain significance (2). Last evaluated 2024-10-23.

Conditions:
Polycystic kidney disease 4 (PKD4). Also called: Autosomal Recessive Polycystic Kidney Disease – PKHD1; PKD3; POLYCYSTIC KIDNEY AND HEPATIC DISEASE 1; POLYCYSTIC KIDNEY DISEASE, INFANTILE, TYPE I; POLYCYSTIC KIDNEY DISEASE 4 WITH OR WITHOUT POLYCYSTIC LIVER DISEASE. Identifiers: MedGen C4540575, MONDO:0033004, OMIM 263200.

gnomAD v4.1: 23 of 1,613,536 alleles (0.0014%); highest among the groups gnomAD compares: Admixed American, 0.0033%; no homozygotes.

Submissions (2):

GeneDx
Classification: Uncertain significance. Last evaluated: 2024-10-23. Review status: criteria provided, single submitter. Criteria: GeneDx Variant Classification Process June 2021. Collection method: clinical testing. Allele origin: germline. Affected: yes.
Comment: Not observed at significant frequency in large population cohorts (gnomAD); In silico analysis indicates that this missense variant does not alter protein structure/function; Has not been previously published as pathogenic or benign in association with a PKHD1-related disorder to our knowledge; This variant is associated with the following publications: (PMID: 34145229)

Fulgent Genetics
Classification: Uncertain significance for Polycystic kidney disease 4. Last evaluated: 2024-05-01. Review status: criteria provided, single submitter. Criteria: ACMG Guidelines, 2015. Collection method: clinical testing. Allele origin: germline.